The following is an entry in ClinVar:

NM_004793.4(LONP1):c.2315C>T (p.Ala772Val)

Gene: LONP1 (lon peptidase 1, mitochondrial; minus strand). Cytogenetic location: 19p13.3.
Variant type: single nucleotide variant.
Coding change: c.2315C>T on transcript NM_004793.4 (MANE Select); coding-DNA position 2315, C replaced by T.
Protein change: p.Ala772Val; replaces alanine 772 with valine.
Molecular consequence: missense variant. On other transcripts: non-coding transcript variant (1).
Genome position (GRCh38, 1-based): chr19:5,694,392, G>A on the plus strand (C>T on the coding strand, the complement: LONP1 is on the minus strand). VCF-style: chr19-5694392-G-A. GRCh37 (hg19) VCF-style: chr19-5694403-G-A.
Other names: c.2123C>T, p.Ala708Val (NM_001276479.2); c.1727C>T, p.Ala576Val (NM_001276480.1); short protein forms A772V, A576V, A708V.
Identifiers: ClinVar variation 1374889 (VCV001374889.6), dbSNP rs2145578773, ClinGen allele CA403527003.

ClinVar aggregate classification (germline): Uncertain significance (1 of 4 stars; one submission).

Allele frequency attached by ClinVar (database versions not stated): gnomAD exomes below 0.00001.
gnomAD v4.1: 1 of 1,612,936 alleles (0.000062%); highest among the groups gnomAD compares: Admixed American, 0.0017%; no homozygotes.

Submission:

Labcorp Genetics (formerly Invitae), Labcorp
Classification: Uncertain significance. Last evaluated: 2021-10-20. Review status: criteria provided, single submitter. Criteria: Invitae Variant Classification Sherloc (09022015). Collection method: clinical testing. Allele origin: germline.
Comment: This sequence change replaces alanine with valine at codon 772 of the LONP1 protein (p.Ala772Val). The alanine residue is highly conserved and there is a small physicochemical difference between alanine and valine. This variant is not present in population databases (ExAC no frequency). In summary, the available evidence is currently insufficient to determine the role of this variant in disease. Therefore, it has been classified as a Variant of Uncertain Significance. Algorithms developed to predict the effect of missense changes on protein structure and function are either unavailable or do not agree on the potential impact of this missense change (SIFT: "Tolerated"; PolyPhen-2: "Possibly Damaging"; Align-GVGD: "Class C0"). This variant has not been reported in the literature in individuals affected with LONP1-related conditions.